The following is an entry in ClinVar:

NM_000038.6(APC):c.5114C>G (p.Thr1705Ser)

Gene: APC (APC regulator of Wnt signaling pathway; plus strand). Cytogenetic location: 5q22.2.
Variant type: single nucleotide variant.
Coding change: c.5114C>G on transcript NM_000038.6 (MANE Select); coding-DNA position 5114, C replaced by G.
Protein change: p.Thr1705Ser; replaces threonine 1705 with serine.
Molecular consequence: missense variant.
Genome position (GRCh38, 1-based): chr5:112,840,708, C>G. VCF-style: chr5-112840708-C-G. GRCh37 (hg19) VCF-style: chr5-112176405-C-G.
Other names: c.5114C>G, p.Thr1705Ser (NM_001127510.3, NM_001354895.2); c.5060C>G, p.Thr1687Ser (NM_001127511.3); c.5168C>G, p.Thr1723Ser (NM_001354896.2); c.5144C>G, p.Thr1715Ser (NM_001354897.2); c.5039C>G, p.Thr1680Ser (NM_001354898.2); c.5030C>G, p.Thr1677Ser (NM_001354899.2); c.4991C>G, p.Thr1664Ser (NM_001354900.2); c.4937C>G, p.Thr1646Ser (NM_001354901.2); and 5 more; short protein forms T1687S, T1705S, T1677S, T1422S, T1545S, T1614S, T1646S, T1664S.
Identifiers: ClinVar variation 231351 (VCV000231351.17), dbSNP rs876659109, ClinGen allele CA10578395.

ClinVar aggregate classification (germline): Uncertain significance. Review status: criteria provided, multiple submitters, no conflicts (2 of 4 stars). 4 submissions from 4 submitters: Uncertain significance (4). Last evaluated 2025-03-07.

Conditions:
Familial multiple polyposis syndrome (FAP). Also called: Familial adenomatous polyposis; Familial intestinal polyposis; Familial Adenomatous Polyposis (FAP); Familial polyposis; Classic familial adenomatous polyposis. Identifiers: Orphanet 733, MedGen C0032580, MONDO:0021055. Disease mechanism: loss of function.
Familial adenomatous polyposis 1 (FAP1). Also called: FAMILIAL ADENOMATOUS POLYPOSIS 1, ATTENUATED; POLYPOSIS, ADENOMATOUS INTESTINAL. Identifiers: MedGen C2713442, MONDO:0021056, OMIM 175100. Disease mechanism: loss of function.
Hereditary cancer-predisposing syndrome. Also called: Neoplastic Syndromes, Hereditary; Tumor predisposition; Hereditary Cancer Syndrome; Hereditary neoplastic syndrome. Identifiers: Orphanet 140162, MedGen C0027672, MeSH D009386, MONDO:0015356.

Allele frequency attached by ClinVar (database versions not stated): gnomAD exomes below 0.00001.

Submissions (4):

Ambry Genetics
Classification: Uncertain significance for Hereditary cancer-predisposing syndrome. Last evaluated: 2025-03-07. Review status: criteria provided, single submitter. Criteria: Ambry Variant Classification Scheme 2023. Collection method: clinical testing. Allele origin: germline.
Comment: The p.T1705S variant (also known as c.5114C>G), located in coding exon 15 of the APC gene, results from a C to G substitution at nucleotide position 5114. The threonine at codon 1705 is replaced by serine, an amino acid with similar properties. This amino acid position is poorly conserved in available vertebrate species. In addition, in silico predictors for this gene do not accurately predict pathogenicity. Missense alterations in APC are not a common cause of disease (Spier I et al. Genet Med. 2024 Feb;26(2):100992). Based on the available evidence, the clinical significance of this variant remains unclear.

Color Diagnostics, LLC DBA Color Health
Classification: Uncertain significance for Hereditary cancer-predisposing syndrome. Last evaluated: 2024-03-06. Review status: criteria provided, single submitter. Criteria: ACMG Guidelines, 2015. Collection method: clinical testing. Allele origin: germline.
Comment: This missense variant replaces threonine with serine at codon 1705 of the APC protein. Computational prediction tool suggests that this variant may not impact protein structure and function. Splice site prediction tools suggest that this variant may not impact RNA splicing. To our knowledge, functional studies have not been performed for this variant. This variant has not been reported in individuals affected with hereditary cancer in the literature. This variant has not been identified in the general population by the Genome Aggregation Database (gnomAD). The available evidence is insufficient to determine the role of this variant in disease conclusively. Therefore, this variant is classified as a Variant of Uncertain Significance.

Labcorp Genetics (formerly Invitae), Labcorp
Classification: Uncertain significance for Familial adenomatous polyposis 1. Last evaluated: 2021-04-17. Review status: criteria provided, single submitter. Criteria: Invitae Variant Classification Sherloc (09022015). Collection method: clinical testing. Allele origin: germline.
Comment: In summary, the available evidence is currently insufficient to determine the role of this variant in disease. Therefore, it has been classified as a Variant of Uncertain Significance. Algorithms developed to predict the effect of missense changes on protein structure and function output the following: SIFT: "Tolerated"; PolyPhen-2: "Benign"; Align-GVGD: "Class C0". The serine amino acid residue is found in multiple mammalian species, suggesting that this missense change does not adversely affect protein function. These predictions have not been confirmed by published functional studies and their clinical significance is uncertain. This variant has not been reported in the literature in individuals with APC-related conditions. ClinVar contains an entry for this variant (Variation ID: 231351). This variant is not present in population databases (ExAC no frequency). This sequence change replaces threonine with serine at codon 1705 of the APC protein (p.Thr1705Ser). The threonine residue is weakly conserved and there is a small physicochemical difference between threonine and serine.

Genomic Diagnostic Laboratory, Division of Genomic Diagnostics, Children's Hospital of Philadelphia
Classification: Uncertain significance for Adenomatous polyposis coli. Last evaluated: 2015-10-19. Review status: criteria provided, single submitter. Criteria: DGD Variant Analysis Guidelines. Collection method: clinical testing. Allele origin: unknown.